The following is an entry in ClinVar:

ClinVar aggregate classification (germline): Likely benign (1 of 4 stars; one submission).

Submission:

CeGaT Center for Human Genetics Tuebingen
Classification: Likely benign. Last evaluated: 2026-08-01. Review status: criteria provided, single submitter. Criteria: CeGaT Center For Human Genetics Tuebingen Variant Classification Criteria Version 2. Collection method: clinical testing. Allele origin: germline. Affected: yes. Observed: 1 variant allele.
Comment: HYDIN: PM2:Supporting, BP4, BP7

NM_001270974.2(HYDIN):c.12225G>A (p.Leu4075=)

Gene: HYDIN (HYDIN axonemal central pair apparatus protein; minus strand). Cytogenetic location: 16q22.2.
Variant type: single nucleotide variant.
Coding change: c.12225G>A on transcript NM_001270974.2 (MANE Select); coding-DNA position 12225, G replaced by A.
Protein change: p.Leu4075=; no amino-acid change (leucine 4075 retained).
Molecular consequence: synonymous variant.
Genome position (GRCh38, 1-based): chr16:70,857,775, C>T on the plus strand (G>A on the coding strand, the complement: HYDIN is on the minus strand). VCF-style: chr16-70857775-C-T. GRCh37 (hg19) VCF-style: chr16-70891678-C-T.
Identifiers: ClinVar variation 5039224 (VCV005039224.1).
Genomic context (GRCh38, chr16:70,857,775, plus strand): 5'-AGAGCTGAAGTTGAGGTGTGACTTGTTCAGAGAGATGAGAGGTTCGGTAGTTTTGCCTAC[C>T]AGCAGGAAAGGGACTGTGATGTTGTGCTCGGGAATTAGGAAGGTCCATGATGACTCAGTG-3'
Protein context (NP_001257903.1, residues 4065-4085): PEHNITVPFL[Leu4075=]VGKTTEPLIS